The following is an entry in ClinVar:

ClinVar aggregate classification (germline): Likely benign. Review status: criteria provided, multiple submitters, no conflicts (2 of 4 stars). 2 submissions from 2 submitters: Likely benign (2). Last evaluated 2025-07-01.

gnomAD v4.1: 971 of 1,605,988 alleles (0.06%); highest among the groups gnomAD compares: Non-Finnish European, 0.078%; 1 homozygote.

Submissions (2):

CeGaT Center for Human Genetics Tuebingen
Classification: Likely benign. Last evaluated: 2025-07-01. Review status: criteria provided, single submitter. Criteria: CeGaT Center For Human Genetics Tuebingen Variant Classification Criteria Version 2. Collection method: clinical testing. Allele origin: germline. Affected: yes. Observed: 1 variant allele.
Comment: CELSR1: BP4, BP7

Blueprint Genetics
Classification: Likely benign. Last evaluated: 2024-11-01. Review status: criteria provided, single submitter. Criteria: ACMG Guidelines, 2015. Collection method: clinical testing. Allele origin: germline.

NM_001378328.1(CELSR1):c.6543C>T (p.Ala2181=)

Gene: CELSR1 (cadherin EGF LAG seven-pass G-type receptor 1; minus strand). Cytogenetic location: 22q13.31.
Variant type: single nucleotide variant.
Coding change: c.6543C>T on transcript NM_001378328.1 (MANE Select); coding-DNA position 6543, C replaced by T.
Protein change: p.Ala2181=; no amino-acid change (alanine 2181 retained).
Molecular consequence: synonymous variant.
Genome position (GRCh38, 1-based): chr22:46,389,302, G>A on the plus strand (C>T on the coding strand, the complement: CELSR1 is on the minus strand). VCF-style: chr22-46389302-G-A. GRCh37 (hg19) VCF-style: chr22-46785199-G-A.
Other names: c.6543C>T, p.Ala2181= (NM_014246.4).
Identifiers: ClinVar variation 4083965 (VCV004083965.9).